The following is an entry in ClinVar:

ClinVar aggregate classification (germline): Uncertain significance. Review status: criteria provided, multiple submitters, no conflicts (2 of 4 stars). 2 submissions from 2 submitters: Uncertain significance (2). Last evaluated 2025-12-09.

Conditions:
MCM3AP-related disorder. Also called: MCM3AP-related condition.

Allele frequency attached by ClinVar (database versions not stated): gnomAD 0.00002; TOPMed 0.00002; gnomAD exomes 0.00004 and 0.00006; ExAC 0.00005; 1000 Genomes Project 30x 0.00016; 1000 Genomes Project 0.00020.
gnomAD v4.1: 55 of 1,599,724 alleles (0.0034%); highest among the groups gnomAD compares: South Asian, 0.035%; no homozygotes.

Submissions (2):

PreventionGenetics, part of Exact Sciences
Classification: Uncertain significance for MCM3AP-related condition. Last evaluated: 2025-12-09. Review status: criteria provided, single submitter. Criteria: ACMG Guidelines, 2015. Collection method: clinical testing. Allele origin: germline.
Comment: The MCM3AP c.5300C>T variant is predicted to result in the amino acid substitution p.Ala1767Val. To our knowledge, this variant has not been reported in the literature in patients with MCM3AP-related disorders. This variant is reported in 0.045% of alleles in individuals of South Asian descent in gnomAD. At this time, the clinical significance of this variant is uncertain due to the absence of conclusive functional and genetic evidence.

Labcorp Genetics (formerly Invitae), Labcorp
Classification: Uncertain significance. Last evaluated: 2024-10-18. Review status: criteria provided, single submitter. Criteria: Invitae Variant Classification Sherloc (09022015). Collection method: clinical testing. Allele origin: germline.
Comment: This sequence change replaces alanine, which is neutral and non-polar, with valine, which is neutral and non-polar, at codon 1767 of the MCM3AP protein (p.Ala1767Val). This variant is present in population databases (rs571661343, gnomAD 0.04%). This missense change has been observed in individual(s) with colorectal polyposis (PMID: 25219767). ClinVar contains an entry for this variant (Variation ID: 1367425). An algorithm developed to predict the effect of missense changes on protein structure and function (PolyPhen-2) suggests that this variant is likely to be disruptive. In summary, the available evidence is currently insufficient to determine the role of this variant in disease. Therefore, it has been classified as a Variant of Uncertain Significance.

Literature cited by the submitters: PubMed 25219767 (cited by Labcorp Genetics (formerly Invitae), Labcorp).

NM_003906.5(MCM3AP):c.5300C>T (p.Ala1767Val)

Genes: MCM3AP (minichromosome maintenance complex component 3 associated protein; minus strand), MCM3AP-AS1 (MCM3AP antisense RNA 1; plus strand). Cytogenetic location: 21q22.3.
Variant type: single nucleotide variant.
Coding change: c.5300C>T on transcript NM_003906.5 (MANE Select); coding-DNA position 5300, C replaced by T.
Protein change: p.Ala1767Val; replaces alanine 1767 with valine.
Molecular consequence: missense variant. On other transcripts: non-coding transcript variant (2).
Genome position (GRCh38, 1-based): chr21:46,242,928, G>A on the plus strand (C>T on the coding strand, the complement: MCM3AP is on the minus strand). VCF-style: chr21-46242928-G-A. GRCh37 (hg19) VCF-style: chr21-47662842-G-A.
Other names: c.5300C>T (NM_003906.4); short protein forms A1767V.
Identifiers: ClinVar variation 1367425 (VCV001367425.8), dbSNP rs571661343, ClinGen allele CA10075884.